The following is an entry in ClinVar:

ClinVar aggregate classification (germline): Uncertain significance. Review status: criteria provided, multiple submitters, no conflicts (2 of 4 stars). 2 submissions from 2 submitters: Uncertain significance (2). Last evaluated 2025-09-29.

Conditions:
Inborn genetic diseases. Identifiers: MedGen C0950123, MeSH D030342.

Allele frequency attached by ClinVar (database versions not stated): gnomAD exomes below 0.00001; gnomAD 0.00003; TOPMed 0.00003.
gnomAD v4.1: 6 of 1,607,232 alleles (0.00037%); highest among the groups gnomAD compares: African/African-American, 0.008%; no homozygotes.

Submissions (2):

Ambry Genetics
Classification: Uncertain significance for Inborn genetic diseases. Last evaluated: 2025-09-29. Review status: criteria provided, single submitter. Criteria: Ambry Variant Classification Scheme 2023. Collection method: clinical testing. Allele origin: germline.

Labcorp Genetics (formerly Invitae), Labcorp
Classification: Uncertain significance. Last evaluated: 2022-09-20. Review status: criteria provided, single submitter. Criteria: Invitae Variant Classification Sherloc (09022015). Collection method: clinical testing. Allele origin: germline.
Comment: Advanced modeling of protein sequence and biophysical properties (such as structural, functional, and spatial information, amino acid conservation, physicochemical variation, residue mobility, and thermodynamic stability) performed at Invitae indicates that this missense variant is not expected to disrupt DNA2 protein function. This sequence change replaces valine, which is neutral and non-polar, with alanine, which is neutral and non-polar, at codon 280 of the DNA2 protein (p.Val280Ala). This variant is present in population databases (no rsID available, gnomAD 0.009%). This variant has not been reported in the literature in individuals affected with DNA2-related conditions. In summary, the available evidence is currently insufficient to determine the role of this variant in disease. Therefore, it has been classified as a Variant of Uncertain Significance.

NM_001080449.3(DNA2):c.839T>C (p.Val280Ala)

Gene: DNA2 (DNA replication helicase/nuclease 2; minus strand). Cytogenetic location: 10q21.3.
Variant type: single nucleotide variant.
Coding change: c.839T>C on transcript NM_001080449.3 (MANE Select); coding-DNA position 839, T replaced by C.
Protein change: p.Val280Ala; replaces valine 280 with alanine.
Molecular consequence: missense variant. On other transcripts: non-coding transcript variant (1).
Genome position (GRCh38, 1-based): chr10:68,450,128, A>G on the plus strand (T>C on the coding strand, the complement: DNA2 is on the minus strand). VCF-style: chr10-68450128-A-G. GRCh37 (hg19) VCF-style: chr10-70209885-A-G.
Other names: c.839T>C (NM_001080449.2); short protein forms V280A.
Identifiers: ClinVar variation 1942525 (VCV001942525.6), dbSNP rs1051273551, ClinGen allele CA208217617.
Genomic context (GRCh38, chr10:68,450,128, plus strand): 5'-TTAAGTTCCAGCGGCATTATCTTGTATTTTGTTTTATACCCTCGATGTATTTTCACACCA[A>G]CTGTAACATCTATTTTGCCTTTCAATCCAAACCTAGGGGACCAAATGCTTTCTTCAATAT-3'
Protein context (NP_001073918.2, residues 270-290): FGLKGKIDVT[Val280Ala]GVKIHRGYKT